The following is an entry in ClinVar:

NM_033118.4(MYLK2):c.802C>T (p.Pro268Ser)

Gene: MYLK2 (myosin light chain kinase 2; plus strand). Cytogenetic location: 20q11.21.
Variant type: single nucleotide variant.
Coding change: c.802C>T on transcript NM_033118.4 (MANE Select); coding-DNA position 802, C replaced by T.
Protein change: p.Pro268Ser; replaces proline 268 with serine.
Molecular consequence: missense variant.
Genome position (GRCh38, 1-based): chr20:31,823,506, C>T. VCF-style: chr20-31823506-C-T. GRCh37 (hg19) VCF-style: chr20-30411309-C-T.
Other names: short protein forms P268S.
Identifiers: ClinVar variation 46530 (VCV000046530.5), dbSNP rs397517475, ClinGen allele CA138549.

ClinVar aggregate classification (germline): Uncertain significance (1 of 4 stars; one submission).

Allele frequency attached by ClinVar (database versions not stated): gnomAD exomes below 0.00001; TOPMed 0.00001.
gnomAD v4.1: 1 of 1,613,674 alleles (0.000062%); highest among the groups gnomAD compares: Non-Finnish European, 0.000085%; no homozygotes.

Submission:

Laboratory for Molecular Medicine, Mass General Brigham Personalized Medicine
Classification: Uncertain significance. Last evaluated: 2012-11-14. Review status: criteria provided, single submitter. Criteria: LMM Criteria. Collection method: clinical testing. Allele origin: germline. Observed: 1 variant allele.
Comment: Variant classified as Uncertain Significance - Favor Benign. The Pro268Ser varia nt in MYLK2 has not been reported in the literature nor previously identified by our laboratory or in large and broad European American and African American pop ulations screened by the NHLBI Exome Sequencing Project (n.edu/EVS/). This low frequency is insufficient to assess its clinical significa nce. Proline (Pro) at position 268 is not conserved in evolution and two mammals (mega bat and opossum) carry the variant amino acid (serine) suggesting that it may be tolerated. In summary, this variant is less likely disease causing but a dditional studies are needed to fully assess its clinical significance.